The following is an entry in ClinVar:

ClinVar aggregate classification (germline): Uncertain significance. Review status: criteria provided, multiple submitters, no conflicts (2 of 4 stars). 2 submissions from 2 submitters: Uncertain significance (2). Last evaluated 2023-04-13.

Conditions:
Hereditary nonpolyposis colorectal neoplasms. Identifiers: MedGen C0009405, MeSH D003123.
Hereditary cancer-predisposing syndrome. Also called: Neoplastic Syndromes, Hereditary; Tumor predisposition; Hereditary Cancer Syndrome; Hereditary neoplastic syndrome. Identifiers: Orphanet 140162, MedGen C0027672, MeSH D009386, MONDO:0015356.

Submissions (2):

Labcorp Genetics (formerly Invitae), Labcorp
Classification: Uncertain significance for Hereditary nonpolyposis colorectal neoplasms. Last evaluated: 2023-04-13. Review status: criteria provided, single submitter. Criteria: Invitae Variant Classification Sherloc (09022015). Collection method: clinical testing. Allele origin: germline.
Comment: This variant, c.1985_1987dup, results in the insertion of 1 amino acid(s) of the MSH6 protein (p.Met662dup), but otherwise preserves the integrity of the reading frame. This variant is not present in population databases (gnomAD no frequency). This variant has not been reported in the literature in individuals affected with MSH6-related conditions. ClinVar contains an entry for this variant (Variation ID: 919664). In summary, the available evidence is currently insufficient to determine the role of this variant in disease. Therefore, it has been classified as a Variant of Uncertain Significance.

Color Diagnostics, LLC DBA Color Health
Classification: Uncertain significance for Hereditary cancer-predisposing syndrome. Last evaluated: 2019-02-12. Review status: criteria provided, single submitter. Criteria: ACMG Guidelines, 2015. Collection method: clinical testing. Allele origin: germline.

NM_000179.3(MSH6):c.1985_1987dup (p.Met662dup)

Gene: MSH6 (mutS homolog 6; plus strand). Cytogenetic location: 2p16.3.
Variant type: Duplication.
Coding change: c.1985_1987dup on transcript NM_000179.3 (MANE Select); coding-DNA positions 1985 to 1987, 3 bases duplicated (TGA; older notation c.1985_1987dupTGA).
Protein change: p.Met662dup; duplicates methionine 662.
Molecular consequence: inframe insertion.
Genome position (GRCh38, 1-based): chr2:47,799,968-47,799,970, TGA duplicated; duplicating any 3 consecutive bases within chr2:47,799,967-47,799,970 gives the same sequence; the c. name uses the placement nearest the transcript's 3' end. VCF-style (leftmost placement, unchanged base first): chr2-47799966-T-TATG. GRCh37 (hg19) VCF-style: chr2-48027105-T-TATG.
Other names: c.1595_1597dup, p.Met532dup (NM_001281492.2); c.1079_1081dup, p.Met360dup (NM_001281493.2, NM_001281494.2).
Identifiers: ClinVar variation 919664 (VCV000919664.5), dbSNP rs1669404423, ClinGen allele CA913188036.
Genomic context (GRCh38, chr2:47,799,966, plus strand): 5'-ATATTTTAGGGAAAAGCTAAGTGATGGCATTGGGGTGATGTTACCCCAGGTGCTTAAAGG[T>TATG]ATGACTTCAGAGTCTGATTCCATTGGGTTGACACCAGGAGAGAAAAGTGAATTGGCCCTC-3'